The following is an entry in ClinVar:

NM_005993.5(TBCD):c.1876G>T (p.Ala626Ser)

Gene: TBCD (tubulin folding cofactor D). Cytogenetic location: 17q25.3.
Variant type: single nucleotide variant.
Coding change: c.1876G>T on transcript NM_005993.5 (MANE Select); coding-DNA position 1876, G replaced by T.
Protein change: p.Ala626Ser; replaces alanine 626 with serine.
Molecular consequence: missense variant.
Genome position (GRCh38, 1-based): chr17:82,906,007, G>T. VCF-style: chr17-82906007-G-T. GRCh37 (hg19) VCF-style: chr17-80863883-G-T.
Other names: short protein forms A626S.
Identifiers: ClinVar variation 1334836 (VCV001334836.11), dbSNP rs749225304, ClinGen allele CA8862808.

ClinVar aggregate classification (germline): Uncertain significance. Review status: criteria provided, multiple submitters, no conflicts (2 of 4 stars). 5 submissions from 5 submitters: Uncertain significance (5). Last evaluated 2025-10-22.

gnomAD v4.1: 47 of 1,612,652 alleles (0.0029%); highest among the groups gnomAD compares: Middle Eastern, 0.05%; no homozygotes.

Submissions (5):

Labcorp Genetics (formerly Invitae), Labcorp
Classification: Uncertain significance. Last evaluated: 2025-10-22. Review status: criteria provided, single submitter. Criteria: Invitae Variant Classification Sherloc (09022015). Collection method: clinical testing. Allele origin: germline.
Comment: This sequence change replaces alanine, which is neutral and non-polar, with serine, which is neutral and polar, at codon 626 of the TBCD protein (p.Ala626Ser). This variant is present in population databases (rs749225304, gnomAD 0.01%). This variant has not been reported in the literature in individuals affected with TBCD-related conditions. ClinVar contains an entry for this variant (Variation ID: 1334836). Invitae Evidence Modeling of protein sequence and biophysical properties (such as structural, functional, and spatial information, amino acid conservation, physicochemical variation, residue mobility, and thermodynamic stability) has been performed for this missense variant. However, the output from this modeling did not meet the statistical confidence thresholds required to predict the impact of this variant on TBCD protein function. In summary, the available evidence is currently insufficient to determine the role of this variant in disease. Therefore, it has been classified as a Variant of Uncertain Significance.

Blueprint Genetics
Classification: Uncertain significance. Last evaluated: 2024-08-20. Review status: criteria provided, single submitter. Criteria: ACMG Guidelines, 2015. Collection method: clinical testing. Allele origin: germline.

Women's Health and Genetics/Laboratory Corporation of America, LabCorp
Classification: Uncertain significance. Last evaluated: 2024-06-12. Review status: criteria provided, single submitter. Criteria: LabCorp Variant Classification Summary - May 2015. Collection method: clinical testing. Allele origin: germline.

Genetic Services Laboratory, University of Chicago
Classification: Uncertain significance. Last evaluated: 2017-11-09. Review status: criteria provided, single submitter. Criteria: ACMG Guidelines, 2015. Collection method: clinical testing. Allele origin: germline. Affected: no.

Breakthrough Genomics
Classification: Uncertain significance. Review status: criteria provided, single submitter. Criteria: ACMG Guidelines, 2015. Collection method: not provided. Allele origin: germline. Inheritance: Autosomal recessive inheritance. Affected: yes.